The following is an entry in ClinVar:

ClinVar aggregate classification (germline): Uncertain significance (1 of 4 stars; one submission).

Conditions:
Hereditary cancer-predisposing syndrome. Also called: Neoplastic Syndromes, Hereditary; Tumor predisposition; Hereditary neoplastic syndrome; Hereditary Cancer Syndrome. Identifiers: Orphanet 140162, MedGen C0027672, MeSH D009386, MONDO:0015356.
Cardiovascular phenotype. Identifiers: MedGen CN230736.

Submission:

Ambry Genetics
Classification: Uncertain significance for Cardiovascular phenotype; Hereditary cancer-predisposing syndrome. Last evaluated: 2023-11-21. Review status: criteria provided, single submitter. Criteria: Ambry Variant Classification Scheme 2023. Collection method: clinical testing. Allele origin: germline.
Comment: The p.T1860S variant (also known as c.5578A>T), located in coding exon 38 of the NF1 gene, results from an A to T substitution at nucleotide position 5578. The threonine at codon 1860 is replaced by serine, an amino acid with similar properties. This amino acid position is conserved. In addition, the in silico prediction for this alteration is inconclusive. Since supporting evidence is limited at this time, the clinical significance of this alteration remains unclear.

NM_001042492.3(NF1):c.5641A>T (p.Thr1881Ser)

Gene: NF1 (neurofibromin 1; plus strand). Cytogenetic location: 17q11.2.
Variant type: single nucleotide variant.
Coding change: c.5641A>T on transcript NM_001042492.3 (MANE Select); coding-DNA position 5641, A replaced by T.
Protein change: p.Thr1881Ser; replaces threonine 1881 with serine.
Molecular consequence: missense variant.
Genome position (GRCh38, 1-based): chr17:31,330,327, A>T. VCF-style: chr17-31330327-A-T. GRCh37 (hg19) VCF-style: chr17-29657345-A-T.
Other names: c.5578A>T, p.Thr1860Ser (NM_000267.4); short protein forms T1860S, T1881S.
Identifiers: ClinVar variation 3237838 (VCV003237838.1), dbSNP rs2151544473.